The following is an entry in ClinVar:

ClinVar aggregate classification (germline): Uncertain significance (1 of 4 stars; one submission).

Submission:

Labcorp Genetics (formerly Invitae), Labcorp
Classification: Uncertain significance. Last evaluated: 2023-04-14. Review status: criteria provided, single submitter. Criteria: Invitae Variant Classification Sherloc (09022015). Collection method: clinical testing. Allele origin: germline.
Comment: This sequence change replaces aspartic acid, which is acidic and polar, with glycine, which is neutral and non-polar, at codon 117 of the COL4A2 protein (p.Asp117Gly). This variant is not present in population databases (gnomAD no frequency). This variant has not been reported in the literature in individuals affected with COL4A2-related conditions. Advanced modeling of protein sequence and biophysical properties (such as structural, functional, and spatial information, amino acid conservation, physicochemical variation, residue mobility, and thermodynamic stability) performed at Invitae indicates that this missense variant is not expected to disrupt COL4A2 protein function. In summary, the available evidence is currently insufficient to determine the role of this variant in disease. Therefore, it has been classified as a Variant of Uncertain Significance.

NM_001846.4(COL4A2):c.350A>G (p.Asp117Gly)

Gene: COL4A2 (collagen type IV alpha 2 chain; plus strand). Cytogenetic location: 13q34.
Variant type: single nucleotide variant.
Coding change: c.350A>G on transcript NM_001846.4 (MANE Select); coding-DNA position 350, A replaced by G.
Protein change: p.Asp117Gly; replaces aspartic acid 117 with glycine.
Molecular consequence: missense variant.
Genome position (GRCh38, 1-based): chr13:110,424,987, A>G. VCF-style: chr13-110424987-A-G. GRCh37 (hg19) VCF-style: chr13-111077334-A-G.
Other names: short protein forms D117G.
Identifiers: ClinVar variation 2856194 (VCV002856194.3), dbSNP rs1880415589, ClinGen allele CA388728221.
Genomic context (GRCh38, chr13:110,424,987, plus strand): 5'-GTTAATTGCATTTGCTTTCTTCATAGGGAGCAAGAGGCGTTTCTGGATTCCCTGGTGCCG[A>G]TGGAATTCCTGTAAGTTTTATGGAAGACTGGAATTTTAAAACATTGCGTGCATCCTAGGC-3'
Protein context (NP_001837.2, residues 107-127): ARGVSGFPGA[Asp117Gly]GIPGHPGQGG